The following is an entry in ClinVar:

NM_001377142.1(PLCB4):c.2525-8T>C

Gene: PLCB4 (phospholipase C beta 4; plus strand). Cytogenetic location: 20p12.2.
Variant type: single nucleotide variant.
Coding change: c.2525-8T>C on transcript NM_001377142.1 (MANE Select); 8 bases into the intron before coding-DNA position 2525, T replaced by C.
Molecular consequence: intron variant.
Genome position (GRCh38, 1-based): chr20:9,435,552, T>C. VCF-style: chr20-9435552-T-C. GRCh37 (hg19) VCF-style: chr20-9416199-T-C.
Other names: c.2489-8T>C (NM_001377134.2, NM_000933.4, NM_182797.3 and 2 more transcripts); c.2525-8T>C (NM_001377143.1, NM_001172646.2).
Identifiers: ClinVar variation 339578 (VCV000339578.8), dbSNP rs185755472, ClinGen allele CA9761407.

ClinVar aggregate classification (germline): Benign/Likely benign. Review status: criteria provided, multiple submitters, no conflicts (2 of 4 stars). 3 submissions from 3 submitters: Benign (1); Likely benign (2). Last evaluated 2025-10-08.

Conditions:
Auriculocondylar syndrome 2 (ARCND2A). Also called: AURICULOCONDYLAR SYNDROME 2A. Identifiers: Orphanet 137888, MedGen C3553404, MONDO:0013845, OMIM 614669.

Allele frequency attached by ClinVar (database versions not stated): TOPMed 0.00034; gnomAD 0.00038 and 0.00039; 1000 Genomes Project 30x 0.00094; 1000 Genomes Project 0.00100; gnomAD exomes 0.00015 and 0.00032; ExAC 0.00021.
gnomAD v4.1: 270 of 1,543,106 alleles (0.017%); highest among the groups gnomAD compares: Middle Eastern, 0.12%; 1 homozygote.

Submissions (3):

Labcorp Genetics (formerly Invitae), Labcorp
Classification: Benign. Last evaluated: 2025-10-08. Review status: criteria provided, single submitter. Criteria: Invitae Variant Classification Sherloc (09022015). Collection method: clinical testing. Allele origin: germline.

Illumina Laboratory Services, Illumina
Classification: Likely benign for Auriculocondylar syndrome 2. Last evaluated: 2018-01-12. Review status: criteria provided, single submitter. Criteria: ICSL Variant Classification Criteria 13 December 2019. Collection method: clinical testing. Allele origin: germline.
Comment: This variant was observed in the ICSL laboratory as part of a predisposition screen in an ostensibly healthy population. It had not been previously curated by ICSL or reported in the Human Gene Mutation Database (HGMD: prior to June 1st, 2018), and was therefore a candidate for classification through an automated scoring system. Utilizing variant allele frequency, disease prevalence and penetrance estimates, and inheritance mode, an automated score was calculated to assess if this variant is too frequent to cause the disease. Based on the score and internal cut-off values, a variant classified as likely benign is not then subjected to further curation. The score for this variant resulted in a classification of likely benign for this disease.

Breakthrough Genomics
Classification: Likely benign. Review status: criteria provided, single submitter. Criteria: ACMG Guidelines, 2015. Collection method: not provided. Allele origin: germline. Inheritance: Autosomal dominant inheritance. Affected: yes.